The following is an entry in ClinVar:

ClinVar aggregate classification (germline): Uncertain significance. Review status: criteria provided, multiple submitters, no conflicts (2 of 4 stars). 2 submissions from 2 submitters: Uncertain significance (2). Last evaluated 2026-05-14.

Conditions:
Hereditary cancer-predisposing syndrome. Also called: Tumor predisposition; Hereditary neoplastic syndrome; Neoplastic Syndromes, Hereditary; Hereditary Cancer Syndrome. Identifiers: Orphanet 140162, MedGen C0027672, MeSH D009386, MONDO:0015356.
EGFR-related lung cancer (EGFR). Identifiers: MedGen CN130014.

Submissions (2):

Ambry Genetics
Classification: Uncertain significance for Hereditary cancer-predisposing syndrome. Last evaluated: 2026-05-14. Review status: criteria provided, single submitter. Criteria: Ambry Variant Classification Scheme 2023. Collection method: clinical testing. Allele origin: germline.
Comment: The p.G495V variant (also known as c.1484G>T), located in coding exon 12 of the EGFR gene, results from a G to T substitution at nucleotide position 1484. The glycine at codon 495 is replaced by valine, an amino acid with dissimilar properties. This amino acid position is conserved. In addition, this alteration is predicted to be tolerated by in silico analysis. Based on the available evidence, the clinical significance of this variant remains unclear.

Labcorp Genetics (formerly Invitae), Labcorp
Classification: Uncertain significance for EGFR-related lung cancer. Last evaluated: 2026-01-21. Review status: criteria provided, single submitter. Criteria: Invitae Variant Classification Sherloc (09022015). Collection method: clinical testing. Allele origin: germline.
Comment: This sequence change replaces glycine, which is neutral and non-polar, with valine, which is neutral and non-polar, at codon 495 of the EGFR protein (p.Gly495Val). This variant is not present in population databases (gnomAD no frequency). This variant has not been reported in the literature in individuals affected with EGFR-related conditions. ClinVar contains an entry for this variant (Variation ID: 2794176). Invitae Evidence Modeling of protein sequence and biophysical properties (such as structural, functional, and spatial information, amino acid conservation, physicochemical variation, residue mobility, and thermodynamic stability) indicates that this missense variant is not expected to disrupt EGFR protein function with a negative predictive value of 80%. In summary, the available evidence is currently insufficient to determine the role of this variant in disease. Therefore, it has been classified as a Variant of Uncertain Significance.

NM_005228.5(EGFR):c.1484G>T (p.Gly495Val)

Gene: EGFR (epidermal growth factor receptor; plus strand). Cytogenetic location: 7p11.2.
Variant type: single nucleotide variant.
Coding change: c.1484G>T on transcript NM_005228.5 (MANE Select); coding-DNA position 1484, G replaced by T.
Protein change: p.Gly495Val; replaces glycine 495 with valine.
Molecular consequence: missense variant.
Genome position (GRCh38, 1-based): chr7:55,160,324, G>T. VCF-style: chr7-55160324-G-T. GRCh37 (hg19) VCF-style: chr7-55228017-G-T.
Other names: c.1349G>T, p.Gly450Val (NM_001346897.2, NM_001346899.2); c.1484G>T, p.Gly495Val (NM_001346898.2, NM_201282.2, NM_201284.2); c.1325G>T, p.Gly442Val (NM_001346900.2); c.683G>T, p.Gly228Val (NM_001346941.2); short protein forms G442V, G495V, G228V, G450V.
Identifiers: ClinVar variation 2794176 (VCV002794176.4), dbSNP rs766676440, ClinGen allele CA367579713.